The following is an entry in ClinVar:

ClinVar aggregate classification (germline): Likely benign (0 of 4 stars; one submission).

Conditions:
MIA-related disorder. Also called: MIA-related condition.

Allele frequency attached by ClinVar (database versions not stated): gnomAD 0.00001; gnomAD exomes 0.00001; TOPMed 0.00001.
gnomAD v4.1: 13 of 1,613,476 alleles (0.00081%); highest among the groups gnomAD compares: South Asian, 0.0011%; no homozygotes.

Submission:

PreventionGenetics, part of Exact Sciences
Classification: Likely benign for MIA-related condition. Last evaluated: 2020-07-09. Review status: no assertion criteria provided. Collection method: clinical testing. Allele origin: germline.
Comment: This variant is classified as likely benign based on ACMG/AMP sequence variant interpretation guidelines (Richards et al. 2015 PMID: 25741868, with internal and published modifications).

NM_006533.4(MIA):c.*4C>T

Genes: MIA (MIA SH3 domain containing; plus strand), MIA-RAB4B (MIA-RAB4B readthrough (NMD candidate); plus strand), LOC130064489 (ATAC-STARR-seq lymphoblastoid silent region 10647; plus strand). Cytogenetic location: 19q13.2.
Variant type: single nucleotide variant.
Coding change: c.*4C>T on transcript NM_006533.4 (MANE Select); 4 bases downstream of the stop codon, C replaced by T.
Molecular consequence: 3 prime UTR variant.
Genome position (GRCh38, 1-based): chr19:40,777,424, C>T. VCF-style: chr19-40777424-C-T. GRCh37 (hg19) VCF-style: chr19-41283329-C-T.
Other names: c.*4C>T (NM_001202553.2).
Identifiers: ClinVar variation 3036794 (VCV003036794.2), dbSNP rs1016428102, ClinGen allele CA308468333.